The following is an entry in ClinVar:

ClinVar aggregate classification (germline): Uncertain significance (1 of 4 stars; one submission).

Submission:

Dasa
Classification: Uncertain significance. Last evaluated: 2025-02-17. Review status: criteria provided, single submitter. Criteria: DASA Assertion Criteria. Collection method: clinical testing. Allele origin: germline.
Comment: NM_001042750.2(STAG2):c.2926G>C (p.Asp976His) is a missense variant that results in the substitution of aspartic acid with histidine. This variant is absent from population databases. The currently available literature and clinical evidence are not sufficient to establish a definitive association between this variant and the reported condition. Therefore, this variant is classified as a variant of uncertain significance.

NM_001042750.2(STAG2):c.2926G>C (p.Asp976His)

Gene: STAG2 (STAG2 cohesin complex component; plus strand). Cytogenetic location: Xq25.
Variant type: single nucleotide variant.
Coding change: c.2926G>C on transcript NM_001042750.2 (MANE Select); coding-DNA position 2926, G replaced by C.
Protein change: p.Asp976His; replaces aspartic acid 976 with histidine.
Molecular consequence: missense variant.
Genome position (GRCh38, 1-based): chrX:124,083,422, G>C. VCF-style: chrX-124083422-G-C. GRCh37 (hg19) VCF-style: chrX-123217272-G-C.
Other names: c.2926G>C, p.Asp976His (NM_001375369.1, NM_001375370.1, NM_001375371.1 and 23 more transcripts); short protein forms D976H.
Identifiers: ClinVar variation 4882376 (VCV004882376.2).